The following is an entry in ClinVar:

ClinVar aggregate classification (germline): Uncertain significance (1 of 4 stars; one submission).

Allele frequency attached by ClinVar (database versions not stated): TOPMed 0.00001.
gnomAD v4.1: 1 of 1,484,222 alleles (0.000067%); highest among the groups gnomAD compares: Non-Finnish European, 0.00009%; no homozygotes.

Submission:

Labcorp Genetics (formerly Invitae), Labcorp
Classification: Uncertain significance. Last evaluated: 2026-01-05. Review status: criteria provided, single submitter. Criteria: Invitae Variant Classification Sherloc (09022015). Collection method: clinical testing. Allele origin: germline.
Comment: This sequence change replaces aspartic acid, which is acidic and polar, with glutamic acid, which is acidic and polar, at codon 141 of the ADGRV1 protein (p.Asp141Glu). This variant is not present in population databases (gnomAD no frequency). This variant has not been reported in the literature in individuals affected with ADGRV1-related conditions. ClinVar contains an entry for this variant (Variation ID: 3019275). Invitae Evidence Modeling of protein sequence and biophysical properties (such as structural, functional, and spatial information, amino acid conservation, physicochemical variation, residue mobility, and thermodynamic stability) indicates that this missense variant is not expected to disrupt ADGRV1 protein function with a negative predictive value of 95%. In summary, the available evidence is currently insufficient to determine the role of this variant in disease. Therefore, it has been classified as a Variant of Uncertain Significance.

NM_032119.4(ADGRV1):c.423C>G (p.Asp141Glu)

Gene: ADGRV1 (adhesion G protein-coupled receptor V1; plus strand). Cytogenetic location: 5q14.3.
Variant type: single nucleotide variant.
Coding change: c.423C>G on transcript NM_032119.4 (MANE Select); coding-DNA position 423, C replaced by G.
Protein change: p.Asp141Glu; replaces aspartic acid 141 with glutamic acid.
Molecular consequence: missense variant. On other transcripts: non-coding transcript variant (1).
Genome position (GRCh38, 1-based): chr5:90,619,151, C>G. VCF-style: chr5-90619151-C-G. GRCh37 (hg19) VCF-style: chr5-89914968-C-G.
Other names: short protein forms D141E.
Identifiers: ClinVar variation 3019275 (VCV003019275.3), dbSNP rs747004600, ClinGen allele CA360386616.